The following is an entry in ClinVar:

NM_001849.4(COL6A2):c.316G>A (p.Glu106Lys)

Gene: COL6A2 (collagen type VI alpha 2 chain; plus strand). Cytogenetic location: 21q22.3.
Variant type: single nucleotide variant.
Coding change: c.316G>A on transcript NM_001849.4 (MANE Select); coding-DNA position 316, G replaced by A.
Protein change: p.Glu106Lys; replaces glutamic acid 106 with lysine.
Molecular consequence: missense variant.
Genome position (GRCh38, 1-based): chr21:46,112,179, G>A. VCF-style: chr21-46112179-G-A. GRCh37 (hg19) VCF-style: chr21-47532093-G-A.
Other names: c.316G>A, p.Glu106Lys (NM_058174.3, NM_058175.3); short protein forms E106K.
Identifiers: ClinVar variation 93953 (VCV000093953.60), dbSNP rs141703710, ClinGen allele CA147502.

ClinVar aggregate classification (germline): Benign/Likely benign. Review status: criteria provided, multiple submitters, no conflicts (2 of 4 stars). 17 submissions from 17 submitters: Benign (8); Likely benign (5). 4 of the submissions do not count toward it. Last evaluated 2026-08-01.

Conditions:
Bethlem myopathy 1A. Also called: MYOPATHY, BENIGN CONGENITAL, WITH CONTRACTURES; Bethlem myopathy 1; Bethlem Muscular Dystrophy. Identifiers: Orphanet 610, MedGen CN029274, MONDO:0024530, OMIM 158810.
Myosclerosis. Also called: MYOPATHY, MYOSCLEROTIC; MYOSCLEROSIS, CONGENITAL, OF LOWENTHAL; Myosclerosis, congenital. Identifiers: Orphanet 289380, MedGen C1850671, MONDO:0009714, OMIM 255600.
Ullrich congenital muscular dystrophy 1A. Also called: Intermediate COL6-RD; Ullrich congenital muscular dystrophy 1. Identifiers: Orphanet 75840, MedGen C0410179, MONDO:0009681, OMIM 254090.
Collagen 6-related myopathy. Identifiers: MedGen CN117976, MONDO:0100225.

Allele frequency attached by ClinVar (database versions not stated): 1000 Genomes Project 0.00180; gnomAD 0.00690 and 0.00717; TOPMed 0.00697; gnomAD exomes 0.01191 and 0.00665; 1000 Genomes Project 30x 0.00172; ExAC 0.00715; ESP Exome Variant Server 0.00769.
gnomAD v4.1: 18,221 of 1,612,984 alleles (1.1%); highest among the groups gnomAD compares: Non-Finnish European, 1.4%; 128 homozygotes.

Submissions (25):

CeGaT Center for Human Genetics Tuebingen
Classification: Benign. Last evaluated: 2026-08-01. Review status: criteria provided, single submitter. Criteria: CeGaT Center For Human Genetics Tuebingen Variant Classification Criteria Version 2. Collection method: clinical testing. Allele origin: germline. Affected: yes. Observed: 55 variant alleles.
Comment: COL6A2: BS1, BS2

Labcorp Genetics (formerly Invitae), Labcorp
Classification: Benign for Bethlem myopathy 1A. Last evaluated: 2026-02-01. Review status: criteria provided, single submitter. Criteria: Invitae Variant Classification Sherloc (09022015). Collection method: clinical testing. Allele origin: germline.

Blueprint Genetics
Classification: Likely benign. Last evaluated: 2024-11-26. Review status: criteria provided, single submitter. Criteria: ACMG Guidelines, 2015. Collection method: clinical testing. Allele origin: germline.

Fulgent Genetics
Classification: Likely benign for Bethlem myopathy 1A; Ullrich congenital muscular dystrophy 1A; Myosclerosis. Last evaluated: 2021-12-26. Review status: criteria provided, single submitter. Criteria: ACMG Guidelines, 2015. Collection method: clinical testing. Allele origin: unknown.

Athena Diagnostics
Classification: Benign. Last evaluated: 2020-03-31. Review status: criteria provided, single submitter. Criteria: Athena Diagnostics Criteria. Collection method: clinical testing. Allele origin: unknown.

Mendelics
Classification: Benign for Bethlem myopathy 1A. Last evaluated: 2019-05-28. Review status: criteria provided, single submitter. Criteria: Mendelics Assertion Criteria 2017. Collection method: clinical testing. Allele origin: unknown.

Mayo Clinic Laboratories, Mayo Clinic
Classification: Benign. Last evaluated: 2017-12-20. Review status: criteria provided, single submitter. Criteria: ACMG Guidelines, 2015. Collection method: clinical testing. Allele origin: germline. Observed: 10 variant alleles.

Illumina Laboratory Services, Illumina
Classification: Likely benign for Collagen VI-related myopathy. Last evaluated: 2017-04-27. Review status: criteria provided, single submitter. Criteria: ICSL Variant Classification Criteria 13 December 2019. Collection method: clinical testing. Allele origin: germline.
Comment: This variant was observed as part of a predisposition screen in an ostensibly healthy population. A literature search was performed for the gene, cDNA change, and amino acid change (where applicable). Publications were found based on this search. The evidence from the literature, in combination with allele frequency data from public databases where available, was sufficient to determine this variant is unlikely to cause disease. Therefore, this variant is classified as likely benign.

Genomic Diagnostic Laboratory, Division of Genomic Diagnostics, Children's Hospital of Philadelphia
Classification: Benign. Last evaluated: 2015-11-06. Review status: criteria provided, single submitter. Criteria: DGD Variant Analysis Guidelines. Collection method: clinical testing. Allele origin: unknown.

Center for Pediatric Genomic Medicine, Children's Mercy Hospital and Clinics
Classification: Likely benign. Last evaluated: 2015-02-06. Review status: criteria provided, single submitter. Criteria: ACMG Guidelines, 2015. Collection method: clinical testing. Allele origin: germline.
ClinVar note: Converted during submission from Likely Benign to Likely benign.

Eurofins Ntd Llc (ga)
Classification: Benign. Last evaluated: 2013-12-06. Review status: criteria provided, single submitter. Criteria: EGL Classification Definitions 2015. Collection method: clinical testing. Allele origin: germline. Observed: 2 variant alleles, 2 heterozygotes.

Breakthrough Genomics
Classification: Likely benign. Review status: criteria provided, single submitter. Criteria: ACMG Guidelines, 2015. Collection method: not provided. Allele origin: germline. Inheritance: Autosomal recessive inheritance. Affected: yes.

PreventionGenetics, part of Exact Sciences
Classification: Benign. Review status: criteria provided, single submitter. Criteria: ACMG Guidelines, 2015. Collection method: clinical testing. Allele origin: germline.

Clinical Genetics, Academic Medical Center
Classification: Benign. Review status: no assertion criteria provided. Collection method: clinical testing. Allele origin: germline. Affected: yes. Study: VKGL Data-share Consensus. Not counted in ClinVar's aggregate classification.

Dr. Peter K. Rogan Lab, Western University
No classification provided (evidence only). Condition: Clear cell carcinoma of kidney. Review status: no classification provided. Collection method: in vitro. Allele origin: not applicable. Functional consequence: retained intron. Not counted in ClinVar's aggregate classification.

Dr. Peter K. Rogan Lab, Western University
No classification provided (evidence only). Condition: Lung cancer. Review status: no classification provided. Collection method: in vitro. Allele origin: not applicable. Functional consequence: retained intron. Not counted in ClinVar's aggregate classification.

Dr. Peter K. Rogan Lab, Western University
No classification provided (evidence only). Condition: Lung cancer. Review status: no classification provided. Collection method: in vitro. Allele origin: not applicable. Functional consequence: retained intron. Not counted in ClinVar's aggregate classification.

Dr. Peter K. Rogan Lab, Western University
No classification provided (evidence only). Condition: Melanoma. Review status: no classification provided. Collection method: in vitro. Allele origin: not applicable. Functional consequence: retained intron. Not counted in ClinVar's aggregate classification.

Dr. Peter K. Rogan Lab, Western University
No classification provided (evidence only). Condition: Melanoma. Review status: no classification provided. Collection method: in vitro. Allele origin: not applicable. Functional consequence: retained intron. Not counted in ClinVar's aggregate classification.

Dr. Peter K. Rogan Lab, Western University
No classification provided (evidence only). Condition: Melanoma. Review status: no classification provided. Collection method: in vitro. Allele origin: not applicable. Functional consequence: retained intron. Not counted in ClinVar's aggregate classification.

Dr. Peter K. Rogan Lab, Western University
No classification provided (evidence only). Condition: Thyroid cancer, nonmedullary, 1. Review status: no classification provided. Collection method: in vitro. Allele origin: not applicable. Functional consequence: retained intron. Not counted in ClinVar's aggregate classification.

Dr. Peter K. Rogan Lab, Western University
No classification provided (evidence only). Condition: Ovarian serous cystadenocarcinoma. Review status: no classification provided. Collection method: in vitro. Allele origin: not applicable. Functional consequence: retained intron. Not counted in ClinVar's aggregate classification.

Genome Diagnostics Laboratory, University Medical Center Utrecht
Classification: Likely benign. Review status: no assertion criteria provided. Collection method: clinical testing. Allele origin: germline. Affected: yes. Study: VKGL Data-share Consensus. Not counted in ClinVar's aggregate classification.

Joint Genome Diagnostic Labs from Nijmegen and Maastricht, Radboudumc and MUMC+
Classification: Likely benign. Review status: no assertion criteria provided. Collection method: clinical testing. Allele origin: germline. Affected: yes. Study: VKGL Data-share Consensus. Not counted in ClinVar's aggregate classification.

Laboratory of Diagnostic Genome Analysis, Leiden University Medical Center (LUMC)
Classification: Likely benign. Review status: no assertion criteria provided. Collection method: clinical testing. Allele origin: germline. Affected: yes. Study: VKGL Data-share Consensus. Not counted in ClinVar's aggregate classification.

Literature cited by the submitters: PubMed 23040494 (cited by Athena Diagnostics); PubMed 15689448 (cited by Athena Diagnostics and Illumina Laboratory Services, Illumina).